The following is an entry in ClinVar:

NM_213606.4(SLC16A12):c.717C>T (p.Asn239=)

Gene: SLC16A12 (solute carrier family 16 member 12; minus strand). Cytogenetic location: 10q23.31.
Variant type: single nucleotide variant.
Coding change: c.717C>T on transcript NM_213606.4 (MANE Select); coding-DNA position 717, C replaced by T.
Protein change: p.Asn239=; no amino-acid change (asparagine 239 retained).
Molecular consequence: synonymous variant.
Genome position (GRCh38, 1-based): chr10:89,438,915, G>A on the plus strand (C>T on the coding strand, the complement: SLC16A12 is on the minus strand). VCF-style: chr10-89438915-G-A. GRCh37 (hg19) VCF-style: chr10-91198672-G-A.
Other names: c.717C>T (NM_213606.3).
Identifiers: ClinVar variation 4908694 (VCV004908694.2).

ClinVar aggregate classification (germline): Likely benign. Review status: criteria provided, multiple submitters, no conflicts (2 of 4 stars). 2 submissions from 2 submitters: Likely benign (2). Last evaluated 2025-07-23.

Conditions:
SLC16A12-related disorder. Also called: SLC16A12-related condition.

gnomAD v4.1: 73 of 1,614,130 alleles (0.0045%); highest among the groups gnomAD compares: South Asian, 0.061%; no homozygotes.

Submissions (2):

PreventionGenetics, part of Exact Sciences
Classification: Likely benign for SLC16A12-related condition. Last evaluated: 2025-07-23. Review status: criteria provided, single submitter. Criteria: ACMG Guidelines, 2015. Collection method: clinical testing. Allele origin: germline.
Comment: This variant is classified as likely benign based on ACMG/AMP sequence variant interpretation guidelines (Richards et al. 2015 PMID: 25741868, with internal and published modifications).

Blueprint Genetics
Classification: Likely benign. Last evaluated: 2022-06-10. Review status: criteria provided, single submitter. Criteria: ACMG Guidelines, 2015. Collection method: clinical testing. Allele origin: germline.